The following is an entry in ClinVar:

NM_000179.3(MSH6):c.613G>A (p.Glu205Lys)

Gene: MSH6 (mutS homolog 6; plus strand). Cytogenetic location: 2p16.3.
Variant type: single nucleotide variant.
Coding change: c.613G>A on transcript NM_000179.3 (MANE Select); coding-DNA position 613, G replaced by A.
Protein change: p.Glu205Lys; replaces glutamic acid 205 with lysine.
Molecular consequence: missense variant. On other transcripts: 5 prime UTR variant (1), intron variant (2).
Genome position (GRCh38, 1-based): chr2:47,796,049, G>A. VCF-style: chr2-47796049-G-A. GRCh37 (hg19) VCF-style: chr2-48023188-G-A.
Other names: c.-290G>A (NM_001281494.2); c.-279-2562G>A (NM_001281493.2); c.238-2562G>A (NM_001281492.2); short protein forms E205K.
Identifiers: ClinVar variation 924241 (VCV000924241.18), dbSNP rs1669067746, ClinGen allele CA346738881.
Genomic context (GRCh38, chr2:47,796,049, plus strand): 5'-AAAGACAAGATTAAGAGGCTTGAATTGGCAGTTTGTGATGAGCCCTCAGAGCCAGAAGAG[G>A]AAGAAGAGATGGAGGTGGGACACGGCAAGCATTCAGTTGTTATTTATGTTAGGGTGATGG-3'
Protein context (NP_000170.1, residues 195-215): VCDEPSEPEE[Glu205Lys]EEMEVGTTYV

ClinVar aggregate classification (germline): Uncertain significance. Review status: criteria provided, multiple submitters, no conflicts (2 of 4 stars). 5 submissions from 5 submitters: Uncertain significance (5). Last evaluated 2024-03-24.

Conditions:
Endometrial carcinoma. Also called: Endometrial carcinoma, somatic. Identifiers: MedGen C0476089, MONDO:0002447, OMIM 608089, HP:0012114.
Hereditary cancer-predisposing syndrome. Also called: Neoplastic Syndromes, Hereditary; Tumor predisposition; Hereditary Cancer Syndrome; Hereditary neoplastic syndrome. Identifiers: Orphanet 140162, MedGen C0027672, MeSH D009386, MONDO:0015356.
Hereditary nonpolyposis colorectal neoplasms. Identifiers: MedGen C0009405, MeSH D003123.
Lynch syndrome. Identifiers: Orphanet 144, MedGen C4552100, MONDO:0005835. Disease mechanism: loss of function.

Submissions (5):

All of Us Research Program, National Institutes of Health
Classification: Uncertain significance for Lynch syndrome. Last evaluated: 2024-03-24. Review status: criteria provided, single submitter. Criteria: ACMG Guidelines, 2015. Collection method: clinical testing. Allele origin: germline. Inheritance: Autosomal dominant inheritance. Observed: 1 variant allele, 1 heterozygote.
Comment: This missense variant replaces glutamic acid with lysine at codon 205 of the MSH6 protein. Computational prediction suggests that this variant may not impact protein structure and function (internally defined REVEL score threshold <= 0.5, PMID: 27666373). Splice site prediction tools suggest that this variant may not impact RNA splicing. To our knowledge, functional studies have not been performed for this variant. This variant has not been reported in individuals affected with hereditary cancer in the literature. This variant has not been identified in the general population by the Genome Aggregation Database (gnomAD). The available evidence is insufficient to determine the role of this variant in disease conclusively. Therefore, this variant is classified as a Variant of Uncertain Significance.

This study involves interpretation of variants in research participants for the purpose of population health screening. Participant phenotype was not available at the time of variant classification. Additional details can be found in publication PMID: 35346344, PMCID: PMC8962531

Color Diagnostics, LLC DBA Color Health
Classification: Uncertain significance for Hereditary cancer-predisposing syndrome. Last evaluated: 2024-03-06. Review status: criteria provided, single submitter. Criteria: ACMG Guidelines, 2015. Collection method: clinical testing. Allele origin: germline.
Comment: This missense variant replaces glutamic acid with lysine at codon 205 of the MSH6 protein. Computational prediction suggests that this variant may not impact protein structure and function (internally defined REVEL score threshold <= 0.5, PMID: 27666373). To our knowledge, functional studies have not been reported for this variant. This variant has not been reported in individuals affected with MSH6-related disorders in the literature. This variant has not been identified in the general population by the Genome Aggregation Database (gnomAD). The available evidence is insufficient to determine the role of this variant in disease conclusively. Therefore, this variant is classified as a Variant of Uncertain Significance.

Labcorp Genetics (formerly Invitae), Labcorp
Classification: Uncertain significance for Hereditary nonpolyposis colorectal neoplasms. Last evaluated: 2023-06-16. Review status: criteria provided, single submitter. Criteria: Invitae Variant Classification Sherloc (09022015). Collection method: clinical testing. Allele origin: germline.
Comment: This variant has not been reported in the literature in individuals affected with MSH6-related conditions. This variant is not present in population databases (gnomAD no frequency). This sequence change replaces glutamic acid, which is acidic and polar, with lysine, which is basic and polar, at codon 205 of the MSH6 protein (p.Glu205Lys). In summary, the available evidence is currently insufficient to determine the role of this variant in disease. Therefore, it has been classified as a Variant of Uncertain Significance. Advanced modeling of protein sequence and biophysical properties (such as structural, functional, and spatial information, amino acid conservation, physicochemical variation, residue mobility, and thermodynamic stability) performed at Invitae indicates that this missense variant is not expected to disrupt MSH6 protein function. ClinVar contains an entry for this variant (Variation ID: 924241).

Baylor Genetics
Classification: Uncertain significance for Endometrial carcinoma. Last evaluated: 2023-05-26. Review status: criteria provided, single submitter. Criteria: ACMG Guidelines, 2015. Collection method: clinical testing. Allele origin: unknown.

Ambry Genetics
Classification: Uncertain significance for Hereditary cancer-predisposing syndrome. Last evaluated: 2020-02-06. Review status: criteria provided, single submitter. Criteria: Ambry Variant Classification Scheme 2023. Collection method: clinical testing. Allele origin: germline.
Comment: The p.E205K variant (also known as c.613G>A), located in coding exon 3 of the MSH6 gene, results from a G to A substitution at nucleotide position 613. The glutamic acid at codon 205 is replaced by lysine, an amino acid with similar properties. This amino acid position is well conserved in available vertebrate species. In addition, this alteration is predicted to be tolerated by in silico analysis. Since supporting evidence is limited at this time, the clinical significance of this alteration remains unclear.